The following is an entry in ClinVar:

ClinVar aggregate classification (germline): Uncertain significance. Review status: criteria provided, multiple submitters, no conflicts (2 of 4 stars). 3 submissions from 3 submitters: Uncertain significance (2). 1 of the submissions does not count toward it. Last evaluated 2026-01-17.

Conditions:
Congenital myasthenic syndrome (CMS). Also called: Congenital Myasthenic Syndromes. Identifiers: Orphanet 590, MedGen C0751882, MeSH D020294, MONDO:0018940.
Congenital myasthenic syndrome 4A. Also called: MYASTHENIC SYNDROME, CONGENITAL, 4A, SLOW-CHANNEL, AUTOSOMAL RECESSIVE; Myasthenic syndrome, congenital, 4a, slow-channel; CONGENITAL MYASTHENIC SYNDROME TYPE Ia1. Identifiers: Orphanet 590, MedGen C4225413, MONDO:0011600, OMIM 605809.

Allele frequency attached by ClinVar (database versions not stated): gnomAD 0.00001; TOPMed 0.00002.
gnomAD v4.1: 54 of 1,613,928 alleles (0.0033%); highest among the groups gnomAD compares: Non-Finnish European, 0.0044%; no homozygotes.

Submissions (3):

Labcorp Genetics (formerly Invitae), Labcorp
Classification: Uncertain significance for Congenital myasthenic syndrome 4A. Last evaluated: 2026-01-17. Review status: criteria provided, single submitter. Criteria: Invitae Variant Classification Sherloc (09022015). Collection method: clinical testing. Allele origin: germline.
Comment: This sequence change replaces glycine, which is neutral and non-polar, with serine, which is neutral and polar, at codon 16 of the CHRNE protein (p.Gly16Ser). This variant also falls at the last nucleotide of exon 1, which is part of the consensus splice site for this exon. The frequency data for this variant in the population databases is considered unreliable, as metrics indicate poor data quality at this position in the gnomAD database. This variant has not been reported in the literature in individuals affected with CHRNE-related conditions. ClinVar contains an entry for this variant (Variation ID: 663654). An algorithm developed to predict the effect of missense changes on protein structure and function (PolyPhen-2) suggests that this variant is likely to be disruptive. Variants that disrupt the consensus splice site are a relatively common cause of aberrant splicing (PMID: 17576681, 9536098). Algorithms developed to predict the effect of sequence changes on RNA splicing suggest that this variant may disrupt the consensus splice site. In summary, the available evidence is currently insufficient to determine the role of this variant in disease. Therefore, it has been classified as a Variant of Uncertain Significance.

Revvity Omics, Revvity
Classification: Uncertain significance. Last evaluated: 2019-12-02. Review status: criteria provided, single submitter. Criteria: ACMG Guidelines, 2015. Collection method: clinical testing. Allele origin: germline.

Natera, Inc.
Classification: Uncertain significance for Congenital myasthenic syndrome. Last evaluated: 2020-08-16. Review status: no assertion criteria provided. Collection method: clinical testing. Allele origin: germline. Not counted in ClinVar's aggregate classification.

Literature cited by the submitters: PubMed 17576681 (cited by Labcorp Genetics (formerly Invitae), Labcorp); PubMed 9536098 (cited by Labcorp Genetics (formerly Invitae), Labcorp).

NM_000080.4(CHRNE):c.46G>A (p.Gly16Ser)

Genes: C17orf107 (chromosome 17 open reading frame 107; plus strand), CHRNE (cholinergic receptor nicotinic epsilon subunit; minus strand). Cytogenetic location: 17p13.2.
Variant type: single nucleotide variant.
Coding change: c.46G>A on transcript NM_000080.4 (MANE Select); coding-DNA position 46, G replaced by A.
Protein change: p.Gly16Ser; replaces glycine 16 with serine.
Molecular consequence: missense variant.
Genome position (GRCh38, 1-based): chr17:4,903,018, C>T on the plus strand (G>A on the coding strand, the complement: CHRNE is on the minus strand). VCF-style: chr17-4903018-C-T. GRCh37 (hg19) VCF-style: chr17-4806313-C-T.
Other names: c.46G>A, p.Gly16Ser (LRG_1254t1); short protein forms G16S.
Identifiers: ClinVar variation 663654 (VCV000663654.12), dbSNP rs764552360, ClinGen allele CA8314636.
Genomic context (GRCh38, chr17:4,903,018, plus strand): 5'-CCAGTCCCTTCATGTCAGTATCTGTGTGTGTCCAATTGCCCCTCTAGCCCCTGTCCGTAC[C>T]GAGAAGCCCCAAGAGGAGCAGGACCCCAAGCGGAGCCCTTGCCATCCTGCTGCGTGGTTC-3'
Protein context (NP_000071.1, residues 6-26): LGVLLLLGLL[Gly16Ser]RGVGKNEELR